The following is an entry in ClinVar:

NM_006739.4(MCM5):c.1590+4C>T

Gene: MCM5 (minichromosome maintenance complex component 5; plus strand). Cytogenetic location: 22q12.3.
Variant type: single nucleotide variant.
Coding change: c.1590+4C>T on transcript NM_006739.4 (MANE Select); 4 bases into the intron after coding-DNA position 1590, C replaced by T.
Molecular consequence: intron variant.
Genome position (GRCh38, 1-based): chr22:35,416,818, C>T. VCF-style: chr22-35416818-C-T. GRCh37 (hg19) VCF-style: chr22-35812811-C-T.
Identifiers: ClinVar variation 2078035 (VCV002078035.4), dbSNP rs181949924, ClinGen allele CA639391764.
Genomic context (GRCh38, chr22:35,416,818, plus strand): 5'-TCGCGCTTCGACATGATCTTCATCGTCAAGGATGAGCACAATGAGGAGAGGGATGTGGTA[C>T]GTCCAGGGGCAGGGCTGGTGGCCATGGGACCTGCCTCCAGGCAGGCTTGTGATTGTGTGG-3'

ClinVar aggregate classification (germline): Uncertain significance (1 of 4 stars; one submission).

Allele frequency attached by ClinVar (database versions not stated): 1000 Genomes Project 30x 0.00016; TOPMed below 0.00001.
gnomAD v4.1: 11 of 1,612,688 alleles (0.00068%); highest among the groups gnomAD compares: East Asian, 0.0022%; no homozygotes.

Submission:

Labcorp Genetics (formerly Invitae), Labcorp
Classification: Uncertain significance. Last evaluated: 2025-01-30. Review status: criteria provided, single submitter. Criteria: Invitae Variant Classification Sherloc (09022015). Collection method: clinical testing. Allele origin: germline.
Comment: This sequence change falls in intron 12 of the MCM5 gene. It does not directly change the encoded amino acid sequence of the MCM5 protein. It affects a nucleotide within the consensus splice site. This variant is present in population databases (no rsID available, gnomAD 0.005%). This variant has not been reported in the literature in individuals affected with MCM5-related conditions. ClinVar contains an entry for this variant (Variation ID: 2078035). Variants that disrupt the consensus splice site are a relatively common cause of aberrant splicing (PMID: 17576681, 9536098). Algorithms developed to predict the effect of sequence changes on RNA splicing suggest that this variant is not likely to affect RNA splicing. In summary, the available evidence is currently insufficient to determine the role of this variant in disease. Therefore, it has been classified as a Variant of Uncertain Significance.

Literature cited by the submitters: PubMed 17576681; PubMed 9536098.